The following is an entry in ClinVar:

ClinVar aggregate classification (germline): Conflicting classifications of pathogenicity. Review status: criteria provided, conflicting classifications (1 of 4 stars). 7 submissions from 7 submitters: Likely pathogenic (1); Uncertain significance (5). 1 of the submissions does not count toward it. Last evaluated 2026-07-01.

Conditions:
Glycogen storage disease, type II (IOPD). Also called: POMPE DISEASE, INFANTILE-ONSET; GLYCOGEN STORAGE DISEASE II, INFANTILE-ONSET; ACID ALPHA-GLUCOSIDASE DEFICIENCY, INFANTILE-ONSET; GAA DEFICIENCY, INFANTILE-ONSET; ACID MALTASE DEFICIENCY, INFANTILE-ONSET; CARDIOMEGALIA GLYCOGENICA DIFFUSA. Identifiers: Orphanet 365, MedGen C0017921, MONDO:0009290, OMIM 232300.

Allele frequency attached by ClinVar (database versions not stated): gnomAD below 0.00001 and 0.00002; gnomAD exomes 0.00002; ExAC 0.00004.
gnomAD v4.1: 38 of 1,612,974 alleles (0.0024%); highest among the groups gnomAD compares: South Asian, 0.038%; no homozygotes.

Submissions (7):

Genomenon, Inc
Classification: Uncertain significance for Glycogen storage disease, type II. Last evaluated: 2026-07-01. Review status: criteria provided, single submitter. Criteria: Genomenon Sequence Variant Interpretation Standards - Updated. Collection method: curation. Allele origin: germline. Affected: yes.
Comment: GAA p.Ser265Asn (c.794G>A) is a missense variant that changes the amino acid at codon 265 from Serine to Asparagine. This variant has been observed in at least one proband with a GAA-related disorder (PMID:34864681). It is absent or not present at a significant frequency in gnomAD. In silico models predict that this variant is not damaging. In conclusion, we classify GAA p.Ser265Asn (c.794G>A) as a variant of uncertain significance.

Foundation for Research in Genetics and Endocrinology, FRIGE's Institute of Human Genetics
Classification: Likely pathogenic for Glycogen storage disease, type II. Last evaluated: 2024-04-19. Review status: criteria provided, single submitter. Criteria: ACMG Guidelines, 2015. Collection method: clinical testing. Allele origin: germline. Inheritance: Autosomal recessive inheritance. Affected: yes. Observed: 1 compound heterozygote.
Comment: A compound heterozygous variant in exon 4 of the GAA gene that results in the amino acid substitution of Aspargine for Serine at codon 265 was detected. The observed variant c.794G>A (p.Ser265Asn) has not been reported in the 1000 genomes and has MAF of 0.0024% in gnomAD databases. The in silico prediction of the variant is damaging by DANN. The reference codon is conserved across species. In summary, the variant meets our criteria to be classified as likely pathogenic.

Labcorp Genetics (formerly Invitae), Labcorp
Classification: Uncertain significance for Glycogen storage disease, type II. Last evaluated: 2022-09-01. Review status: criteria provided, single submitter. Criteria: Invitae Variant Classification Sherloc (09022015). Collection method: clinical testing. Allele origin: germline.
Comment: This sequence change replaces serine, which is neutral and polar, with asparagine, which is neutral and polar, at codon 265 of the GAA protein (p.Ser265Asn). This variant is present in population databases (rs772002851, gnomAD 0.02%). This missense change has been observed in individual(s) with Pompe disease (PMID: 34864681). ClinVar contains an entry for this variant (Variation ID: 498281). Advanced modeling of protein sequence and biophysical properties (such as structural, functional, and spatial information, amino acid conservation, physicochemical variation, residue mobility, and thermodynamic stability) performed at Invitae indicates that this missense variant is not expected to disrupt GAA protein function. In summary, the available evidence is currently insufficient to determine the role of this variant in disease. Therefore, it has been classified as a Variant of Uncertain Significance.

Genome-Nilou Lab
Classification: Uncertain significance for Glycogen storage disease, type II. Last evaluated: 2021-09-05. Review status: criteria provided, single submitter. Criteria: ACMG Guidelines, 2015. Collection method: clinical testing. Allele origin: germline. Affected: no.

Eurofins Ntd Llc (ga)
Classification: Uncertain significance. Last evaluated: 2016-11-03. Review status: criteria provided, single submitter. Criteria: EGL Classification Definitions 2015. Collection method: clinical testing. Allele origin: germline. Observed: 1 variant allele, 1 heterozygote.

Suma Genomics
Classification: Uncertain significance for Glycogen storage disease, type II. Review status: criteria provided, single submitter. Criteria: ACMG Guidelines, 2015. Collection method: clinical testing. Allele origin: inherited. Inheritance: Autosomal recessive inheritance. Affected: yes.

Natera, Inc.
Classification: Uncertain significance for Glycogen storage disease type II. Last evaluated: 2021-08-16. Review status: no assertion criteria provided. Collection method: clinical testing. Allele origin: germline. Not counted in ClinVar's aggregate classification.

Literature cited by the submitters: PubMed 34864681 (cited by Genomenon, Inc and Labcorp Genetics (formerly Invitae), Labcorp).

NM_000152.5(GAA):c.794G>A (p.Ser265Asn)

Gene: GAA (alpha glucosidase; plus strand). Cytogenetic location: 17q25.3.
Variant type: single nucleotide variant.
Coding change: c.794G>A on transcript NM_000152.5 (MANE Select); coding-DNA position 794, G replaced by A.
Protein change: p.Ser265Asn; replaces serine 265 with asparagine.
Molecular consequence: missense variant.
Genome position (GRCh38, 1-based): chr17:80,107,658, G>A. VCF-style: chr17-80107658-G-A. GRCh37 (hg19) VCF-style: chr17-78081457-G-A.
Other names: p.Ser794Asn; c.794G>A, p.Ser265Asn (NM_001079803.3, NM_001079804.3); c.794G>A (LRG_673t1); short protein forms S265N.
Identifiers: ClinVar variation 498281 (VCV000498281.17), dbSNP rs772002851, ClinGen allele CA8815019.